The following is an entry in ClinVar:

ClinVar aggregate classification (germline): Uncertain significance. Review status: criteria provided, multiple submitters, no conflicts (2 of 4 stars). 4 submissions from 3 submitters: Uncertain significance (3). 1 of the submissions does not count toward it. Last evaluated 2021-08-23.

Conditions:
Diabetes mellitus, transient neonatal, 2 (TNDM2). Identifiers: Orphanet 99886, MedGen C1835887, MONDO:0012480, OMIM 610374. Disease mechanism: loss of function.
Type 2 diabetes mellitus. Also called: Type II diabetes mellitus. Identifiers: MedGen C0011860, MeSH D003924, MONDO:0005148, OMIM 125853, HP:0005978.
Diabetes mellitus, permanent neonatal 3. Also called: ABCC8-Related Permanent Neonatal Diabetes Mellitus. Identifiers: MedGen C5394303, MONDO:0030088, OMIM 618857.
Hyperinsulinemic hypoglycemia, familial, 1 (HHF1). Also called: HYPERINSULINISM, FAMILIAL, WITH PANCREATIC NESIDIOBLASTOSIS; HYPOGLYCEMIA, HYPERINSULINEMIC, OF INFANCY; Persistent hyperinsulinemic hypoglycemia of infancy; Persistent Hyperinsulinemia Hypoglycemia of Infancy; NESIDIOBLASTOSIS OF PANCREAS. Identifiers: Orphanet 276575, Orphanet 276598, MedGen C2931832, MONDO:0009734, OMIM 256450.
Leucine-induced hypoglycemia (LIH). Also called: LEUCINE-SENSITIVE HYPOGLYCEMIA OF INFANCY. Identifiers: MedGen C0271714, MONDO:0009415, OMIM 240800.
Transitory neonatal diabetes mellitus. Also called: Transient neonatal diabetes mellitus. Identifiers: MedGen C0342273, MONDO:0020525, HP:0008255.
Hereditary hyperinsulinism.
Maturity-onset diabetes of the young (MODY). Also called: Maturity onset diabetes mellitus in young. Identifiers: Orphanet 552, MedGen C0342276, MONDO:0018911, HP:0004904.

Allele frequency attached by ClinVar (database versions not stated): gnomAD exomes below 0.00001; gnomAD 0.00002 and 0.00003; TOPMed 0.00003; ESP Exome Variant Server 0.00008.
gnomAD v4.1: 5 of 1,614,064 alleles (0.00031%); highest among the groups gnomAD compares: African/African-American, 0.0067%; no homozygotes.

Submissions (4):

Fulgent Genetics
Classification: Uncertain significance for Type 2 diabetes mellitus; Leucine-induced hypoglycemia; Hyperinsulinemic hypoglycemia, familial, 1; Diabetes mellitus, transient neonatal, 2; Diabetes mellitus, permanent neonatal 3. Last evaluated: 2021-08-23. Review status: criteria provided, single submitter. Criteria: ACMG Guidelines, 2015. Collection method: clinical testing. Allele origin: unknown.

Clinical Genomics, Uppaluri K&H Personalized Medicine Clinic
Classification: Uncertain significance for Transitory neonatal diabetes mellitus. Review status: criteria provided, single submitter. Criteria: K & H Uppaluri Personalized Medicine Clinic Variant Classification & Assertion Criteria_Updated V.1. Collection method: research. Allele origin: unknown. Inheritance: Somatic mutation.
Comment: Mutations in ABCC8 gene are associated with both neonatal diabetes mellitus as well as MODY. Patients with this mutation may have a better response to sulfonylureas. However, no sufficient evidence is found to ascertain the role of this particular variant ( rs370697909) in neonatal diabetes yet.

Clinical Genomics, Uppaluri K&H Personalized Medicine Clinic
Classification: Uncertain significance for Maturity-onset diabetes of the young. Review status: criteria provided, single submitter. Criteria: K & H Uppaluri Personalized Medicine Clinic Variant Classification & Assertion Criteria_Updated V.1. Collection method: research. Allele origin: unknown. Inheritance: Somatic mutation.
Comment: Mutations in ABCC8 gene are associated with both neonatal diabetes mellitus as well as MODY. Patients with this mutation may have a better response to sulfonylureas. However, no sufficient evidence is found to ascertain the role of this particular variant ( rs370697909) in MODY yet.

Natera, Inc.
Classification: Uncertain significance for Hereditary hyperinsulinism. Last evaluated: 2020-04-10. Review status: no assertion criteria provided. Collection method: clinical testing. Allele origin: germline. Not counted in ClinVar's aggregate classification.

Literature cited by the submitters: PubMed 16885549 (cited by Clinical Genomics, Uppaluri K&H Personalized Medicine Clinic); PubMed 21989597 (cited by Clinical Genomics, Uppaluri K&H Personalized Medicine Clinic); PubMed 27538677 (cited by Clinical Genomics, Uppaluri K&H Personalized Medicine Clinic); PubMed 18981553 (cited by Clinical Genomics, Uppaluri K&H Personalized Medicine Clinic); PubMed 32027066 (cited by Clinical Genomics, Uppaluri K&H Personalized Medicine Clinic); PubMed 16613899 (cited by Clinical Genomics, Uppaluri K&H Personalized Medicine Clinic); PubMed 18025408 (cited by Clinical Genomics, Uppaluri K&H Personalized Medicine Clinic); PubMed 32792356 (cited by Clinical Genomics, Uppaluri K&H Personalized Medicine Clinic).

NM_000352.6(ABCC8):c.822+3C>T

Gene: ABCC8 (ATP binding cassette subfamily C member 8; minus strand). Cytogenetic location: 11p15.1.
Variant type: single nucleotide variant.
Coding change: c.822+3C>T on transcript NM_000352.6 (MANE Select); 3 bases into the intron after coding-DNA position 822, C replaced by T.
Molecular consequence: intron variant.
Genome position (GRCh38, 1-based): chr11:17,461,580, G>A on the plus strand (C>T on the coding strand, the complement: ABCC8 is on the minus strand). VCF-style: chr11-17461580-G-A. GRCh37 (hg19) VCF-style: chr11-17483127-G-A.
Other names: c.819+6C>T (NM_001351297.2, NM_001351296.2); c.822+3C>T (NM_001351295.2, NM_001287174.3).
Identifiers: ClinVar variation 991061 (VCV000991061.3), dbSNP rs370697909, ClinGen allele CA218451952.
Genomic context (GRCh38, chr11:17,461,580, plus strand): 5'-TCCCTCTCTGTGACCCTAAACCAGAAGGCAGTGAATAGATGGTGTGGCTGTGCCCCCACT[G>A]ACCACCTGGGCGTCAAAGGCCTCGCAGAGCCGTTGGTAGTTGGTGAGGGCCCTCATGGCG-3'